The following is an entry in ClinVar:

NM_000038.6(APC):c.239G>A (p.Ser80Asn)

Gene: APC (APC regulator of Wnt signaling pathway; plus strand). Cytogenetic location: 5q22.2.
Variant type: single nucleotide variant.
Coding change: c.239G>A on transcript NM_000038.6 (MANE Select); coding-DNA position 239, G replaced by A.
Protein change: p.Ser80Asn; replaces serine 80 with asparagine.
Molecular consequence: missense variant. On other transcripts: 5 prime UTR variant (1).
Genome position (GRCh38, 1-based): chr5:112,767,207, G>A. VCF-style: chr5-112767207-G-A. GRCh37 (hg19) VCF-style: chr5-112102904-G-A.
Other names: c.239G>A, p.Ser80Asn (NM_001127510.3, NM_001354895.2, NM_001354903.2 and 2 more transcripts); c.269G>A, p.Ser90Asn (NM_001127511.3, NM_001354897.2, NM_001354902.2); c.164G>A, p.Ser55Asn (NM_001354904.2, NM_001354898.2); c.62G>A, p.Ser21Asn (NM_001354905.2, NM_001354901.2, NM_001354900.2); c.-797G>A (NM_001354906.2); short protein forms S55N, S90N, S21N, S80N.
Identifiers: ClinVar variation 651725 (VCV000651725.10), dbSNP rs876659390, ClinGen allele CA16021866.
Genomic context (GRCh38, chr5:112,767,207, plus strand): 5'-TAAAGCAATTGTTGTATAAAAACTTGTTTCTATTTTATTTAGAGCTTAACTTAGATAGCA[G>A]TAATTTCCCTGGAGTAAAACTGCGGTCAAAAATGTCCCTCCGTTCTTATGGAAGCCGGGA-3'
Protein context (NP_000029.2, residues 70-90): ERLKELNLDS[Ser80Asn]NFPGVKLRSK

ClinVar aggregate classification (germline): Uncertain significance (1 of 4 stars; one submission).

Conditions:
Familial adenomatous polyposis 1 (FAP1). Also called: POLYPOSIS, ADENOMATOUS INTESTINAL; FAMILIAL ADENOMATOUS POLYPOSIS 1, ATTENUATED. Identifiers: MedGen C2713442, MONDO:0021056, OMIM 175100. Disease mechanism: loss of function.

Submission:

Labcorp Genetics (formerly Invitae), Labcorp
Classification: Uncertain significance for Familial adenomatous polyposis 1. Last evaluated: 2023-07-07. Review status: criteria provided, single submitter. Criteria: Invitae Variant Classification Sherloc (09022015). Collection method: clinical testing. Allele origin: germline.
Comment: This sequence change replaces serine, which is neutral and polar, with asparagine, which is neutral and polar, at codon 80 of the APC protein (p.Ser80Asn). In summary, the available evidence is currently insufficient to determine the role of this variant in disease. Therefore, it has been classified as a Variant of Uncertain Significance. Advanced modeling of protein sequence and biophysical properties (such as structural, functional, and spatial information, amino acid conservation, physicochemical variation, residue mobility, and thermodynamic stability) performed at Invitae indicates that this missense variant is not expected to disrupt APC protein function. ClinVar contains an entry for this variant (Variation ID: 651725). This variant has not been reported in the literature in individuals affected with APC-related conditions. This variant is not present in population databases (gnomAD no frequency).